The following is an entry in ClinVar:

NM_000066.4(C8B):c.1180G>A (p.Val394Ile)

Gene: C8B (complement C8 beta chain; minus strand). Cytogenetic location: 1p32.2.
Variant type: single nucleotide variant.
Coding change: c.1180G>A on transcript NM_000066.4 (MANE Select); coding-DNA position 1180, G replaced by A.
Protein change: p.Val394Ile; replaces valine 394 with isoleucine.
Molecular consequence: missense variant.
Genome position (GRCh38, 1-based): chr1:56,943,750, C>T on the plus strand (G>A on the coding strand, the complement: C8B is on the minus strand). VCF-style: chr1-56943750-C-T. GRCh37 (hg19) VCF-style: chr1-57409423-C-T.
Other names: c.1024G>A, p.Val342Ile (NM_001278543.2); c.994G>A, p.Val332Ile (NM_001278544.2); short protein forms V342I, V332I, V394I.
Identifiers: ClinVar variation 1901468 (VCV001901468.6), dbSNP rs375765321, ClinGen allele CA875726.

ClinVar aggregate classification (germline): Uncertain significance. Review status: criteria provided, multiple submitters, no conflicts (2 of 4 stars). 2 submissions from 2 submitters: Uncertain significance (2). Last evaluated 2025-06-20.

Conditions:
Inborn genetic diseases. Identifiers: MedGen C0950123, MeSH D030342.

Allele frequency attached by ClinVar (database versions not stated): ExAC 0.00003; ESP Exome Variant Server 0.00008; 1000 Genomes Project 30x 0.00016; 1000 Genomes Project 0.00020.
gnomAD v4.1: 20 of 1,614,098 alleles (0.0012%); highest among the groups gnomAD compares: Admixed American, 0.005%; no homozygotes.

Submissions (2):

Labcorp Genetics (formerly Invitae), Labcorp
Classification: Uncertain significance. Last evaluated: 2025-06-20. Review status: criteria provided, single submitter. Criteria: Invitae Variant Classification Sherloc (09022015). Collection method: clinical testing. Allele origin: germline.
Comment: This sequence change replaces valine, which is neutral and non-polar, with isoleucine, which is neutral and non-polar, at codon 394 of the C8B protein (p.Val394Ile). This variant is present in population databases (rs375765321, gnomAD 0.006%). This variant has not been reported in the literature in individuals affected with C8B-related conditions. ClinVar contains an entry for this variant (Variation ID: 1901468). An algorithm developed to predict the effect of missense changes on protein structure and function outputs the following: PolyPhen-2: "Benign". The isoleucine amino acid residue is found in multiple mammalian species, which suggests that this missense change does not adversely affect protein function. In summary, the available evidence is currently insufficient to determine the role of this variant in disease. Therefore, it has been classified as a Variant of Uncertain Significance.

Ambry Genetics
Classification: Uncertain significance for Inborn genetic diseases. Last evaluated: 2023-11-09. Review status: criteria provided, single submitter. Criteria: Ambry Variant Classification Scheme 2023. Collection method: clinical testing. Allele origin: germline.